The following is an entry in ClinVar:

NM_024301.5(FKRP):c.972G>C (p.Glu324Asp)

Gene: FKRP (fukutin related protein; plus strand). Cytogenetic location: 19q13.32.
Variant type: single nucleotide variant.
Coding change: c.972G>C on transcript NM_024301.5 (MANE Select); coding-DNA position 972, G replaced by C.
Protein change: p.Glu324Asp; replaces glutamic acid 324 with aspartic acid.
Molecular consequence: missense variant.
Genome position (GRCh38, 1-based): chr19:46,756,422, G>C. VCF-style: chr19-46756422-G-C. GRCh37 (hg19) VCF-style: chr19-47259679-G-C.
Other names: c.972G>C, p.Glu324Asp (NM_001039885.3); short protein forms E324D.
Identifiers: ClinVar variation 665178 (VCV000665178.12), dbSNP rs1365712686, ClinGen allele CA406496386.
Genomic context (GRCh38, chr19:46,756,422, plus strand): 5'-GCCCGCCTACCTCTACGAGGAGCGCTGGACGCCCCCCTGCTGCCTGCGCGCGCTGCGCGA[G>C]ACCGCCCGCTATGTGGTGGGCGTGCTGGAGGCTGCGGGCGTGCGCTACTGGCTCGAGGGC-3'
Protein context (NP_077277.1, residues 314-334): TPPCCLRALR[Glu324Asp]TARYVVGVLE

ClinVar aggregate classification (germline): Uncertain significance. Review status: criteria provided, multiple submitters, no conflicts (2 of 4 stars). 3 submissions from 3 submitters: Uncertain significance (2). 1 of the submissions does not count toward it. Last evaluated 2025-11-16.

Conditions:
Cardiovascular phenotype. Identifiers: MedGen CN230736.
Walker-Warburg congenital muscular dystrophy. Also called: Muscular dystrophy-dystroglycanopathy, type A; Walker-Warburg syndrome. Identifiers: Orphanet 899, MedGen C0265221, MONDO:0000171.
Autosomal recessive limb-girdle muscular dystrophy type 2I. Also called: MUSCULAR DYSTROPHY-DYSTROGLYCANOPATHY (LIMB-GIRDLE), TYPE C, 5; MUSCULAR DYSTROPHY-DYSTROGLYCANOPATHY, LIMB-GIRDLE, FRKP-RELATED; MUSCULAR DYSTROPHY, LIMB-GIRDLE, TYPE 2I. Identifiers: Orphanet 34515, MedGen C1846672, MONDO:0011787, OMIM 607155.

Allele frequency attached by ClinVar (database versions not stated): TOPMed 0.00001; gnomAD 0.00002.
gnomAD v4.1: 23 of 1,579,676 alleles (0.0015%); highest among the groups gnomAD compares: Non-Finnish European, 0.0019%; no homozygotes.

Submissions (3):

Ambry Genetics
Classification: Uncertain significance for Cardiovascular phenotype. Last evaluated: 2025-11-16. Review status: criteria provided, single submitter. Criteria: Ambry Variant Classification Scheme 2023. Collection method: clinical testing. Allele origin: germline.
Comment: The p.E324D variant (also known as c.972G>C), located in coding exon 1 of the FKRP gene, results from a G to C substitution at nucleotide position 972. The glutamic acid at codon 324 is replaced by aspartic acid, an amino acid with highly similar properties. This amino acid position is conserved. In addition, the in silico prediction for this alteration is inconclusive. Since supporting evidence is limited at this time, the clinical significance of this alteration remains unclear.

Labcorp Genetics (formerly Invitae), Labcorp
Classification: Uncertain significance for Walker-Warburg congenital muscular dystrophy. Last evaluated: 2022-07-18. Review status: criteria provided, single submitter. Criteria: Invitae Variant Classification Sherloc (09022015). Collection method: clinical testing. Allele origin: germline.
Comment: This sequence change replaces glutamic acid, which is acidic and polar, with aspartic acid, which is acidic and polar, at codon 324 of the FKRP protein (p.Glu324Asp). This variant is not present in population databases (gnomAD no frequency). This variant has not been reported in the literature in individuals affected with FKRP-related conditions. ClinVar contains an entry for this variant (Variation ID: 665178). Algorithms developed to predict the effect of missense changes on protein structure and function are either unavailable or do not agree on the potential impact of this missense change (SIFT: "Tolerated"; PolyPhen-2: "Probably Damaging"; Align-GVGD: "Class C0"). In summary, the available evidence is currently insufficient to determine the role of this variant in disease. Therefore, it has been classified as a Variant of Uncertain Significance.

Natera, Inc.
Classification: Uncertain significance for Limb-girdle muscular dystrophy type 2I. Last evaluated: 2020-07-28. Review status: no assertion criteria provided. Collection method: clinical testing. Allele origin: germline. Not counted in ClinVar's aggregate classification.